The following is an entry in ClinVar:

ClinVar aggregate classification (germline): Uncertain significance (1 of 4 stars; one submission).

gnomAD v4.1: 1 of 1,613,496 alleles (0.000062%); highest among the groups gnomAD compares: Non-Finnish European, 0.000085%; no homozygotes.

Submission:

GeneDx
Classification: Uncertain significance. Last evaluated: 2023-11-20. Review status: criteria provided, single submitter. Criteria: GeneDx Variant Classification Process June 2021. Collection method: clinical testing. Allele origin: germline. Affected: yes.
Comment: Nonsense variant predicted to result in protein truncation or nonsense mediated decay in a gene or region of a gene for which loss of function is not a well-established mechanism of disease; Not observed at significant frequency in large population cohorts (gnomAD); Has not been previously published as pathogenic or benign to our knowledge; Reported using an alternate transcript of the gene

NM_003128.3(SPTBN1):c.148+32312C>T

Gene: SPTBN1 (spectrin beta, non-erythrocytic 1; plus strand). Cytogenetic location: 2p16.2.
Variant type: single nucleotide variant.
Coding change: c.148+32312C>T on transcript NM_003128.3 (MANE Select); 32312 bases into the intron after coding-DNA position 148, C replaced by T.
Molecular consequence: intron variant. On other transcripts: nonsense (1).
Genome position (GRCh38, 1-based): chr2:54,558,878, C>T. VCF-style: chr2-54558878-C-T. GRCh37 (hg19) VCF-style: chr2-54786015-C-T.
Other names: c.100C>T, p.Gln34Ter (NM_178313.3); short protein forms Q34*.
Identifiers: ClinVar variation 3364498 (VCV003364498.1).